The following is an entry in ClinVar:

ClinVar aggregate classification (germline): Pathogenic (1 of 4 stars; one submission).

Conditions:
Asphyxiating thoracic dystrophy 3. Also called: SHORT-RIB THORACIC DYSPLASIA 3 WITH OR WITHOUT POLYDACTYLY; POLYDACTYLY WITH NEONATAL CHONDRODYSTROPHY, TYPE I; SHORT-RIB THORACIC DYSPLASIA 3/6 WITH POLYDACTYLY, DIGENIC; Short rib polydactyly syndrome 2B; Saldino-Noonan Syndrome. Identifiers: Orphanet 474, Orphanet 93269, Orphanet 93270, Orphanet 93271, MedGen C0036069, MONDO:0013127, OMIM 613091.

Submission:

Myriad Genetics, Inc.
Classification: Pathogenic for Asphyxiating thoracic dystrophy 3. Last evaluated: 2025-11-10. Review status: criteria provided, single submitter. Criteria: Myriad Autosomal Dominant, Autosomal Recessive and X-Linked Classification Criteria (2023). Collection method: clinical testing. Allele origin: unknown.
Comment: NM_001377.2(DYNC2H1):c.3768delT(E1257Kfs*22) is expected to be pathogenic in the context of DYNC2H1-related disorders. This variant is predicted to lead to an abnormal or absent protein product due to the creation of a premature termination codon in DYNC2H1, a gene where loss-of-function variants are known to be pathogenic. Please note: this variant was assessed in the context of healthy population screening.

NM_001377.3(DYNC2H1):c.3768del (p.Glu1257fs)

Gene: DYNC2H1 (dynein cytoplasmic 2 heavy chain 1; plus strand). Cytogenetic location: 11q22.3.
Variant type: Deletion.
Coding change: c.3768del on transcript NM_001377.3 (MANE Select); coding-DNA position 3768, one base deleted (T; older notation c.3768delT).
Protein change: p.Glu1257fs; shifts the reading frame from glutamic acid 1257.
Molecular consequence: frameshift variant.
Genome position (GRCh38, 1-based): chr11:103,156,411, T deleted. VCF-style (leftmost placement, unchanged base first): chr11-103156410-GT-G. GRCh37 (hg19) VCF-style: chr11-103027139-GT-G.
Other names: c.3768del, p.Glu1257fs (NM_001080463.2); short protein forms E1257fs.
Identifiers: ClinVar variation 5015194 (VCV005015194.1).